The following is an entry in ClinVar:

ClinVar aggregate classification (germline): Uncertain significance (1 of 4 stars; one submission).

Submission:

Labcorp Genetics (formerly Invitae), Labcorp
Classification: Uncertain significance. Last evaluated: 2021-12-17. Review status: criteria provided, single submitter. Criteria: Invitae Variant Classification Sherloc (09022015). Collection method: clinical testing. Allele origin: germline.
Comment: In summary, the available evidence is currently insufficient to determine the role of this variant in disease. Therefore, it has been classified as a Variant of Uncertain Significance. Algorithms developed to predict the effect of missense changes on protein structure and function (SIFT, PolyPhen-2, Align-GVGD) all suggest that this variant is likely to be tolerated. This variant has not been reported in the literature in individuals affected with MOCS2B-related conditions. This variant is not present in population databases (gnomAD no frequency). This sequence change replaces proline, which is neutral and non-polar, with leucine, which is neutral and non-polar, at codon 115 of the MOCS2B protein (p.Pro115Leu).

NM_004531.5(MOCS2):c.344C>T (p.Pro115Leu)

Gene: MOCS2 (molybdenum cofactor synthesis 2; minus strand). Cytogenetic location: 5q11.2.
Variant type: single nucleotide variant.
Coding change: c.344C>T on transcript NM_004531.5 (MANE Select); coding-DNA position 344, C replaced by T.
Protein change: p.Pro115Leu; replaces proline 115 with leucine.
Molecular consequence: missense variant. On other transcripts: 3 prime UTR variant (1).
Genome position (GRCh38, 1-based): chr5:53,101,392, G>A on the plus strand (C>T on the coding strand, the complement: MOCS2 is on the minus strand). VCF-style: chr5-53101392-G-A. GRCh37 (hg19) VCF-style: chr5-52397222-G-A.
Other names: c.*264C>T (NM_176806.4); c.344C>T, p.Pro115Leu (NM_183418.1); short protein forms P115L.
Identifiers: ClinVar variation 2046443 (VCV002046443.4), dbSNP rs2478598423, ClinGen allele CA359693043.
Genomic context (GRCh38, chr5:53,101,392, plus strand): 5'-CTTTTAGAGTGATAAAGGAAATCATACCCAAGTCTATGGAACACTGCTATGTGTTTGACT[G>A]GCCATTTCTGCCTAATGTCACTACAAATCTTTCTGACTTCATTTTCCGCCATGGGTAGAT-3'
Protein context (NP_004522.1, residues 105-125): KICSDIRQKW[Pro115Leu]VKHIAVFHRL